The following is an entry in ClinVar:

NM_002769.5(PRSS1):c.95A>G (p.Glu32Gly)

Genes: PRSS1 (serine protease 1; plus strand), TRB (T cell receptor beta locus; plus strand). Cytogenetic location: 7q34.
Variant type: single nucleotide variant.
Coding change: c.95A>G on transcript NM_002769.5 (MANE Select); coding-DNA position 95, A replaced by G.
Protein change: p.Glu32Gly; replaces glutamic acid 32 with glycine.
Molecular consequence: missense variant. On other transcripts: non-coding transcript variant (2).
Genome position (GRCh38, 1-based): chr7:142,750,609, A>G. VCF-style: chr7-142750609-A-G. GRCh37 (hg19) VCF-style: chr7-142458460-A-G.
Other names: short protein forms E32G.
Identifiers: ClinVar variation 1767510 (VCV001767510.3), dbSNP rs1449124096, ClinGen allele CA369607199.

ClinVar aggregate classification (germline): Uncertain significance (1 of 4 stars; one submission).

Conditions:
Hereditary pancreatitis (PCTT). Also called: PRSS1-Related Hereditary Pancreatitis; Hereditary chronic pancreatitis. Identifiers: Orphanet 676, MedGen C0238339, MONDO:0008185, OMIM 167800.

Allele frequency attached by ClinVar (database versions not stated): gnomAD exomes below 0.00001; TOPMed below 0.00001.
gnomAD v4.1: 2 of 1,614,032 alleles (0.00012%); highest among the groups gnomAD compares: African/African-American, 0.0013%; no homozygotes.

Submission:

Ambry Genetics
Classification: Uncertain significance for Hereditary pancreatitis. Last evaluated: 2024-07-27. Review status: criteria provided, single submitter. Criteria: Ambry Variant Classification Scheme 2023. Collection method: clinical testing. Allele origin: germline.
Comment: The p.E32G variant (also known as c.95A>G), located in coding exon 2 of the PRSS1 gene, results from an A to G substitution at nucleotide position 95. The glutamic acid at codon 32 is replaced by glycine, an amino acid with similar properties. This amino acid position is conserved. In addition, this alteration is predicted to be tolerated by in silico analysis. Since supporting evidence is limited at this time, the clinical significance of this alteration remains unclear.